The following is an entry in ClinVar:

NM_001365276.2(TNXB):c.7164G>A (p.Val2388=)

Gene: TNXB (tenascin XB; minus strand). Cytogenetic location: 6p21.33.
Variant type: single nucleotide variant.
Coding change: c.7164G>A on transcript NM_001365276.2 (MANE Select); coding-DNA position 7164, G replaced by A.
Protein change: p.Val2388=; no amino-acid change (valine 2388 retained).
Molecular consequence: synonymous variant.
Genome position (GRCh38, 1-based): chr6:32,062,161, C>T on the plus strand (G>A on the coding strand, the complement: TNXB is on the minus strand). VCF-style: chr6-32062161-C-T. GRCh37 (hg19) VCF-style: chr6-32029938-C-T.
Other names: c.7164G>A, p.Val2388= (NM_019105.8).
Identifiers: ClinVar variation 1757452 (VCV001757452.5), dbSNP rs768286801, ClinGen allele CA3734242.
Genomic context (GRCh38, chr6:32,062,161, plus strand): 5'-AGCAAGAGGGTGACCCTCCCATGGCTCCCACCCTGGGGCTCCCATCGTCCACTCACCTGT[C>T]ACCCCGATGGCAGACACGGGGCCCACACGCTGGCCACCGTGGAAGCCGTACAGGTTCATC-3'
Protein context (NP_001352205.1, residues 2378-2398): QRVGPVSAIG[Val2388=]TAAEEETPSP

ClinVar aggregate classification (germline): Likely benign. Review status: criteria provided, multiple submitters, no conflicts (2 of 4 stars). 3 submissions from 3 submitters: Likely benign (2). 1 of the submissions does not count toward it. Last evaluated 2025-12-08.

Conditions:
Cardiovascular phenotype. Identifiers: MedGen CN230736.
TNXB-related disorder. Also called: TNXB-related condition.

Allele frequency attached by ClinVar (database versions not stated): gnomAD exomes 0.00003; ExAC 0.00009; gnomAD 0.00018; TOPMed 0.00022.
gnomAD v4.1: 71 of 1,610,152 alleles (0.0044%); highest among the groups gnomAD compares: African/African-American, 0.089%; no homozygotes.

Submissions (3):

Labcorp Genetics (formerly Invitae), Labcorp
Classification: Likely benign. Last evaluated: 2025-12-08. Review status: criteria provided, single submitter. Criteria: Invitae Variant Classification Sherloc (09022015). Collection method: clinical testing. Allele origin: germline.

Ambry Genetics
Classification: Likely benign for Cardiovascular phenotype. Last evaluated: 2022-05-09. Review status: criteria provided, single submitter. Criteria: Ambry Variant Classification Scheme 2023. Collection method: clinical testing. Allele origin: germline.

PreventionGenetics, part of Exact Sciences
Classification: Likely benign for TNXB-related condition. Last evaluated: 2019-04-25. Review status: no assertion criteria provided. Collection method: clinical testing. Allele origin: germline. Not counted in ClinVar's aggregate classification.
Comment: This variant is classified as likely benign based on ACMG/AMP sequence variant interpretation guidelines (Richards et al. 2015 PMID: 25741868, with internal and published modifications).